The following is an entry in ClinVar:

ClinVar aggregate classification (germline): Uncertain significance. Review status: criteria provided, multiple submitters, no conflicts (2 of 4 stars). 3 submissions from 3 submitters: Uncertain significance (3). Last evaluated 2024-01-04.

Conditions:
RYR1-related disorder. Also called: RYR1-related condition; RYR1-related disorders. Identifiers: MedGen CN239331.
Malignant hyperthermia, susceptibility to, 1 (MHS1). Also called: Anesthesia related hyperthermia; Malignant hyperpyrexia; Fulminating hyperpyrexia; Pharmacogenic myopathy; RYR1-Related Malignant Hyperthermia Susceptibility; Malignant hyperthermia suceptibility 1. Identifiers: Orphanet 423, MedGen C2930980, MONDO:0007783, OMIM 145600.

Allele frequency attached by ClinVar (database versions not stated): gnomAD exomes below 0.00001.
gnomAD v4.1: 1 of 1,611,902 alleles (0.000062%); highest among the groups gnomAD compares: Non-Finnish European, 0.000085%; no homozygotes.

Submissions (3):

Women's Health and Genetics/Laboratory Corporation of America, LabCorp
Classification: Uncertain significance. Last evaluated: 2024-01-04. Review status: criteria provided, single submitter. Criteria: LabCorp Variant Classification Summary - May 2015. Collection method: clinical testing. Allele origin: germline.
Comment: Variant summary: RYR1 c.9473-3C>T alters a conserved nucleotide located close to a canonical splice site and therefore could affect mRNA splicing, leading to a significantly altered protein sequence. The variant was absent in 250938 control chromosomes (gnomAD). The available data on variant occurrences in the general population are insufficient to allow any conclusion about variant significance. To our knowledge, no occurrence of c.9473-3C>T in individuals affected with Myopathy, RYR1-Associated and no experimental evidence demonstrating its impact on protein function have been reported. ClinVar contains an entry for this variant (Variation ID: 2420929). Based on the evidence outlined above, the variant was classified as uncertain significance.

All of Us Research Program, National Institutes of Health
Classification: Uncertain significance for Malignant hyperthermia, susceptibility to, 1. Last evaluated: 2023-06-28. Review status: criteria provided, single submitter. Criteria: ACMG Guidelines, 2015. Collection method: clinical testing. Allele origin: germline. Inheritance: Autosomal dominant inheritance. Observed: 1 variant allele, 1 heterozygote.
Comment: This study involves interpretation of variants in research participants for the purpose of population health screening. Participant phenotype was not available at the time of variant classification. Additional details can be found in publication PMID: 35346344, PMCID: PMC8962531

Labcorp Genetics (formerly Invitae), Labcorp
Classification: Uncertain significance for RYR1-related disorder. Last evaluated: 2022-04-06. Review status: criteria provided, single submitter. Criteria: Invitae Variant Classification Sherloc (09022015). Collection method: clinical testing. Allele origin: germline.
Comment: This variant has not been reported in the literature in individuals affected with RYR1-related conditions. In summary, the available evidence is currently insufficient to determine the role of this variant in disease. Therefore, it has been classified as a Variant of Uncertain Significance. Variants that disrupt the consensus splice site are a relatively common cause of aberrant splicing (PMID: 17576681, 9536098). Algorithms developed to predict the effect of sequence changes on RNA splicing suggest that this variant is not likely to affect RNA splicing. This variant is not present in population databases (gnomAD no frequency). This sequence change falls in intron 63 of the RYR1 gene. It does not directly change the encoded amino acid sequence of the RYR1 protein. It affects a nucleotide within the consensus splice site.

Literature cited by the submitters: PubMed 17576681 (cited by Labcorp Genetics (formerly Invitae), Labcorp); PubMed 9536098 (cited by Labcorp Genetics (formerly Invitae), Labcorp).

NM_000540.3(RYR1):c.9473-3C>T

Gene: RYR1 (ryanodine receptor 1; plus strand). Cytogenetic location: 19q13.2.
Variant type: single nucleotide variant.
Coding change: c.9473-3C>T on transcript NM_000540.3 (MANE Select); 3 bases into the intron before coding-DNA position 9473, C replaced by T.
Molecular consequence: intron variant.
Genome position (GRCh38, 1-based): chr19:38,515,023, C>T. VCF-style: chr19-38515023-C-T. GRCh37 (hg19) VCF-style: chr19-39005663-C-T.
Other names: c.9473-3C>T (NM_001042723.2).
Identifiers: ClinVar variation 2420929 (VCV002420929.8), dbSNP rs923899613, ClinGen allele CA308126712.
Genomic context (GRCh38, chr19:38,515,023, plus strand): 5'-GGTGGGGTGGGGAGGGCTTGTCTTGTGAGCGCATGCCGCAGCCTCGCCCCCTGTCTCCCT[C>T]AGTGGACGACGTCCAGGTCTCTTGCTACCGAACGCTGTGCAGTATCTACTCCCTGGGAAC-3'